The following is an entry in ClinVar:

ClinVar aggregate classification (germline): Benign (1 of 4 stars; one submission).

Conditions:
Leigh syndrome (NULS). Also called: Leigh's necrotizing encephalopathy; Leigh's disease; Leigh Syndrome (mtDNA deletion); Leigh Disease; Subacute necrotizing encephalopathy; Necrotizing encephalopathy infantile subacute of Leigh. Identifiers: Orphanet 506, MedGen C2931891, MONDO:0009723, OMIM 256000.

Submission:

Wong Mito Lab, Molecular and Human Genetics, Baylor College of Medicine
Classification: Benign for Leigh syndrome. Last evaluated: 2019-10-17. Review status: criteria provided, single submitter. Criteria: Modified ACMG Guidelines (Unpublished). Collection method: clinical testing. Allele origin: germline.
Comment: The NC_012920.1:m.6228C>T (YP_003024028.1:p.Leu109Phe) variant in MTCO1 gene is interpretated to be a Benign variant based on the modified ACMG guidelines (unpublished). This variant meets the following evidence codes: BS1, BS2, BP4

NC_012920.1(MT-CO1):m.6228C>T

Gene: MT-CO1 (mitochondrially encoded cytochrome c oxidase I; plus strand).
Variant type: single nucleotide variant.
Genome position: chrM-6228-C-T.
Identifiers: ClinVar variation 692627 (VCV000692627.1), dbSNP rs1603220332, ClinGen allele CA414782618.